The following is an entry in ClinVar:

NM_000455.5(STK11):c.1020C>G (p.Tyr340Ter)

Genes: STK11 (serine/threonine kinase 11; plus strand), LOC130062899 (ATAC-STARR-seq lymphoblastoid active region 13597; plus strand). Cytogenetic location: 19p13.3.
Variant type: single nucleotide variant.
Coding change: c.1020C>G on transcript NM_000455.5 (MANE Select); coding-DNA position 1020, C replaced by G.
Protein change: p.Tyr340Ter; replaces tyrosine 340 with a stop codon.
Molecular consequence: nonsense. On other transcripts: non-coding transcript variant (1).
Genome position (GRCh38, 1-based): chr19:1,223,084, C>G. VCF-style: chr19-1223084-C-G. GRCh37 (hg19) VCF-style: chr19-1223083-C-G.
Other names: c.1020C>G, p.Tyr340Ter (NM_001407255.1); short protein forms Y340*.
Identifiers: ClinVar variation 3148503 (VCV003148503.1), dbSNP rs786202471, ClinGen allele CA402951731.

ClinVar aggregate classification (germline): Pathogenic (1 of 4 stars; one submission).

Conditions:
Peutz-Jeghers syndrome (PJS). Also called: POLYPOSIS, HAMARTOMATOUS INTESTINAL; POLYPS-AND-SPOTS SYNDROME; Peutz-Jeghers polyposis; Periorificial lentiginosis syndrome. Identifiers: Orphanet 2869, MedGen C0031269, MeSH D010580, MONDO:0008280, OMIM 175200.

Submission:

Myriad Genetics, Inc.
Classification: Pathogenic for Peutz-Jeghers syndrome. Last evaluated: 2024-02-12. Review status: criteria provided, single submitter. Criteria: Myriad Autosomal Dominant, Autosomal Recessive and X-Linked Classification Criteria (2023). Collection method: clinical testing. Allele origin: unknown.
Comment: This variant is considered pathogenic. This variant creates a termination codon and is predicted to result in premature protein truncation.